The following is an entry in ClinVar:

NM_201384.3(PLEC):c.3040G>A (p.Glu1014Lys)

Gene: PLEC (plectin; minus strand). Cytogenetic location: 8q24.3.
Variant type: single nucleotide variant.
Coding change: c.3040G>A on transcript NM_201384.3 (MANE Select); coding-DNA position 3040, G replaced by A.
Protein change: p.Glu1014Lys; replaces glutamic acid 1014 with lysine.
Molecular consequence: missense variant.
Genome position (GRCh38, 1-based): chr8:143,929,455, C>T on the plus strand (G>A on the coding strand, the complement: PLEC is on the minus strand). VCF-style: chr8-143929455-C-T. GRCh37 (hg19) VCF-style: chr8-145003623-C-T.
Other names: c.3121G>A (NM_000445.3); c.3121G>A, p.Glu1041Lys (NM_000445.5, NM_001410941.1); c.2998G>A, p.Glu1000Lys (NM_201378.4); c.2974G>A, p.Glu992Lys (NM_201379.3); c.3451G>A, p.Glu1151Lys (NM_201380.4); c.2944G>A, p.Glu982Lys (NM_201381.3); c.3040G>A, p.Glu1014Lys (NM_201382.4); c.3052G>A, p.Glu1018Lys (NM_201383.3); short protein forms E1000K, E992K, E1151K, E1014K, E982K, E1018K, E1041K.
Identifiers: ClinVar variation 1978077 (VCV001978077.7), dbSNP rs781913182, ClinGen allele CA4927251.
Genomic context (GRCh38, chr8:143,929,455, plus strand): 5'-GGGGGGGGACGGCCCCTGCCTGCTGCTCGGCGATGCGCTGGGCACACTCCCGTGCCGGCT[C>T]TTTGTCCAGCGGCAGCCGCAGGCGGTGCACGGTGCGCGTCTCACAGGCCTCCAGCTGCAG-3'
Protein context (NP_958786.1, residues 1004-1024): VHRLRLPLDK[Glu1014Lys]PARECAQRIA

ClinVar aggregate classification (germline): Uncertain significance. Review status: criteria provided, multiple submitters, no conflicts (2 of 4 stars). 3 submissions from 3 submitters: Uncertain significance (3). Last evaluated 2025-10-15.

Conditions:
Epidermolysis bullosa simplex 5B, with muscular dystrophy (EBS5B). Also called: EPIDERMOLYSIS BULLOSA SIMPLEX AND LIMB-GIRDLE MUSCULAR DYSTROPHY; Epidermolysis bullosa simplex with muscular dystrophy. Identifiers: Orphanet 257, MedGen C2931072, MONDO:0009181, OMIM 226670.
Autosomal recessive limb-girdle muscular dystrophy type 2Q (LGMDR17). Also called: MUSCULAR DYSTROPHY, LIMB-GIRDLE, AUTOSOMAL RECESSIVE 17. Identifiers: Orphanet 254361, MedGen C3150989, MONDO:0013390, OMIM 613723.
Epidermolysis bullosa simplex, Ogna type (EBS5A). Also called: Pidermolysis bullosa simplex 5A, Ogna type; EPIDERMOLYSIS BULLOSA SIMPLEX 5A, OGNA TYPE. Identifiers: Orphanet 79401, MedGen C0432317, MONDO:0007555, OMIM 131950.
Epidermolysis bullosa simplex 5C, with pyloric atresia (EBS5C). Also called: PLEC-Related Epidermolysis Bullosa with Pyloric Atresia; Epidermolysis bullosa simplex with pyloric atresia; PLEC1-Related Epidermolysis Bullosa with Pyloric Atresia. Identifiers: Orphanet 158684, MedGen C2677349, MONDO:0012807, OMIM 612138.
Epidermolysis bullosa simplex with nail dystrophy (EBS5D). Identifiers: MedGen C4225309, MONDO:0014661, OMIM 616487.
Inborn genetic diseases. Identifiers: MedGen C0950123, MeSH D030342.

Allele frequency attached by ClinVar (database versions not stated): ExAC 0.00003; TOPMed 0.00003.
gnomAD v4.1: 50 of 1,593,300 alleles (0.0031%); highest among the groups gnomAD compares: Non-Finnish European, 0.0041%; 1 homozygote.

Submissions (3):

Ambry Genetics
Classification: Uncertain significance for Inborn genetic diseases. Last evaluated: 2025-10-15. Review status: criteria provided, single submitter. Criteria: Ambry Variant Classification Scheme 2023. Collection method: clinical testing. Allele origin: germline.

Blueprint Genetics
Classification: Uncertain significance. Last evaluated: 2023-10-30. Review status: criteria provided, single submitter. Criteria: ACMG Guidelines, 2015. Collection method: clinical testing. Allele origin: germline.

Labcorp Genetics (formerly Invitae), Labcorp
Classification: Uncertain significance for Autosomal recessive limb-girdle muscular dystrophy type 2Q; Epidermolysis bullosa simplex, Ogna type; Epidermolysis bullosa simplex with nail dystrophy; Epidermolysis bullosa simplex 5C, with pyloric atresia; Epidermolysis bullosa simplex 5B, with muscular dystrophy. Last evaluated: 2022-12-14. Review status: criteria provided, single submitter. Criteria: Invitae Variant Classification Sherloc (09022015). Collection method: clinical testing. Allele origin: germline.
Comment: In summary, the available evidence is currently insufficient to determine the role of this variant in disease. Therefore, it has been classified as a Variant of Uncertain Significance. Advanced modeling of protein sequence and biophysical properties (such as structural, functional, and spatial information, amino acid conservation, physicochemical variation, residue mobility, and thermodynamic stability) performed at Invitae indicates that this missense variant is not expected to disrupt PLEC protein function. This variant has not been reported in the literature in individuals affected with PLEC-related conditions. This variant is present in population databases (rs781913182, gnomAD 0.004%). This sequence change replaces glutamic acid, which is acidic and polar, with lysine, which is basic and polar, at codon 1041 of the PLEC protein (p.Glu1041Lys).